The following is an entry in ClinVar:

ClinVar aggregate classification (germline): Uncertain significance. Review status: criteria provided, multiple submitters, no conflicts (2 of 4 stars). 2 submissions from 2 submitters: Uncertain significance (2). Last evaluated 2025-10-13.

Conditions:
Inborn genetic diseases. Identifiers: MedGen C0950123, MeSH D030342.
CHARGE syndrome (CHARGE). Also called: Hittner Hirsch Kreh syndrome; CHARGE ASSOCIATION--COLOBOMA, HEART ANOMALY, CHOANAL ATRESIA, RETARDATION, GENITAL AND EAR ANOMALIES; Coloboma, heart anomaly, choanal atresia, retardation, genital and ear anomalies; CHARGE association; Hall-Hittner syndrome. Identifiers: Orphanet 138, MedGen C0265354, MONDO:0008965.

gnomAD v4.1: 1 of 1,614,010 alleles (0.000062%); highest among the groups gnomAD compares: Non-Finnish European, 0.000085%; no homozygotes.

Submissions (2):

Labcorp Genetics (formerly Invitae), Labcorp
Classification: Uncertain significance for CHARGE syndrome. Last evaluated: 2025-10-13. Review status: criteria provided, single submitter. Criteria: Invitae Variant Classification Sherloc (09022015). Collection method: clinical testing. Allele origin: germline.
Comment: This sequence change replaces serine, which is neutral and polar, with leucine, which is neutral and non-polar, at codon 355 of the CHD7 protein (p.Ser355Leu). This variant is not present in population databases (gnomAD no frequency). This variant has not been reported in the literature in individuals affected with CHD7-related conditions. ClinVar contains an entry for this variant (Variation ID: 3714577). Invitae Evidence Modeling of protein sequence and biophysical properties (such as structural, functional, and spatial information, amino acid conservation, physicochemical variation, residue mobility, and thermodynamic stability) indicates that this missense variant is not expected to disrupt CHD7 protein function with a negative predictive value of 95%. In summary, the available evidence is currently insufficient to determine the role of this variant in disease. Therefore, it has been classified as a Variant of Uncertain Significance.

Ambry Genetics
Classification: Uncertain significance for Inborn genetic diseases. Last evaluated: 2025-10-01. Review status: criteria provided, single submitter. Criteria: Ambry Variant Classification Scheme 2023. Collection method: clinical testing. Allele origin: germline.

NM_017780.4(CHD7):c.1064C>T (p.Ser355Leu)

Gene: CHD7 (chromodomain helicase DNA binding protein 7; plus strand). Cytogenetic location: 8q12.2.
Variant type: single nucleotide variant.
Coding change: c.1064C>T on transcript NM_017780.4 (MANE Select); coding-DNA position 1064, C replaced by T.
Protein change: p.Ser355Leu; replaces serine 355 with leucine.
Molecular consequence: missense variant.
Genome position (GRCh38, 1-based): chr8:60,742,496, C>T. VCF-style: chr8-60742496-C-T. GRCh37 (hg19) VCF-style: chr8-61655055-C-T.
Other names: c.1064C>T, p.Ser355Leu (NM_001316690.1); c.1064C>T (NM_017780.3); short protein forms S355L.
Identifiers: ClinVar variation 3714577 (VCV003714577.3).